The following is an entry in ClinVar:

ClinVar aggregate classification (germline): Uncertain significance (1 of 4 stars; one submission).

Conditions:
Pitt-Hopkins syndrome (PTHS). Also called: ENCEPHALOPATHY, SEVERE EPILEPTIC, WITH AUTONOMIC DYSFUNCTION; MENTAL RETARDATION, SYNDROMAL, WITH INTERMITTENT HYPERVENTILATION. Identifiers: Orphanet 2896, MedGen C1970431, MONDO:0012589, OMIM 610954.

Allele frequency attached by ClinVar (database versions not stated): gnomAD exomes 0.00001.
gnomAD v4.1: 7 of 1,613,658 alleles (0.00043%); highest among the groups gnomAD compares: African/African-American, 0.0013%; no homozygotes.

Submission:

Labcorp Genetics (formerly Invitae), Labcorp
Classification: Uncertain significance for Pitt-Hopkins syndrome. Last evaluated: 2023-11-03. Review status: criteria provided, single submitter. Criteria: Invitae Variant Classification Sherloc (09022015). Collection method: clinical testing. Allele origin: germline.
Comment: This sequence change affects codon 263 of the TCF4 mRNA. It is a 'silent' change, meaning that it does not change the encoded amino acid sequence of the TCF4 protein. This variant also falls at the last nucleotide of exon 10, which is part of the consensus splice site for this exon. This variant is not present in population databases (gnomAD no frequency). This variant has not been reported in the literature in individuals affected with TCF4-related conditions. Variants that disrupt the consensus splice site are a relatively common cause of aberrant splicing (PMID: 17576681, 9536098). Algorithms developed to predict the effect of sequence changes on RNA splicing suggest that this variant may disrupt the consensus splice site. In summary, the available evidence is currently insufficient to determine the role of this variant in disease. Therefore, it has been classified as a Variant of Uncertain Significance.

Literature cited by the submitters: PubMed 17576681; PubMed 9536098.

NM_001083962.2(TCF4):c.789G>A (p.Leu263=)

Gene: TCF4 (transcription factor 4; minus strand). Cytogenetic location: 18q21.2.
Variant type: single nucleotide variant.
Coding change: c.789G>A on transcript NM_001083962.2 (MANE Select); coding-DNA position 789, G replaced by A.
Protein change: p.Leu263=; no amino-acid change (leucine 263 retained).
Molecular consequence: synonymous variant.
Genome position (GRCh38, 1-based): chr18:55,275,619, C>T on the plus strand (G>A on the coding strand, the complement: TCF4 is on the minus strand). VCF-style: chr18-55275619-C-T. GRCh37 (hg19) VCF-style: chr18-52942850-C-T.
Other names: c.1095G>A, p.Leu365= (NM_001243226.3); c.717G>A, p.Leu239= (NM_001243227.2, NM_001306207.1, NM_001348217.1 and 9 more transcripts); c.807G>A, p.Leu269= (NM_001243228.2); c.783G>A, p.Leu261= (NM_001243230.2); c.663G>A, p.Leu221= (NM_001243231.2, NM_001348211.2); c.576G>A, p.Leu192= (NM_001243232.1, NM_001306208.1); c.399G>A, p.Leu133= (NM_001243233.2, NM_001330605.3, NM_001348212.2 and 1 more transcripts); c.309G>A, p.Leu103= (NM_001243234.2, NM_001243235.2, NM_001243236.2 and 2 more transcripts); and 4 more.
Identifiers: ClinVar variation 2781952 (VCV002781952.3), dbSNP rs2512663589, ClinGen allele CA504109640.
Genomic context (GRCh38, chr18:55,275,619, plus strand): 5'-AGAGGACGAGGTTTAATCAACTAGCTGTGACATTCCCGTTACCGTGTATGTCTGCCTTAC[C>T]AAACGTTCATGTGGATGCAGGCTACAGTAGCTGCTGGACTGTGGAATATGAGAAGAGTTG-3'
Protein context (NP_001077431.1, residues 253-273): SYCSLHPHER[Leu263=]SYPSHSSADI